The following is an entry in ClinVar:

ClinVar aggregate classification (germline): Pathogenic (1 of 4 stars; one submission).

Submission:

Labcorp Genetics (formerly Invitae), Labcorp
Classification: Pathogenic. Last evaluated: 2021-12-27. Review status: criteria provided, single submitter. Criteria: Invitae Variant Classification Sherloc (09022015). Collection method: clinical testing. Allele origin: germline.
Comment: This variant has not been reported in the literature in individuals affected with ACAD9-related conditions. This variant is not present in population databases (gnomAD no frequency). This sequence change inserts a large fragment of DNA, likely a transposable element, in exon 18 of the ACAD9 gene (c.1807_1808ins?), causing a frameshift at codon 603 (p.Gln603fs). The exact size and sequence of the insertion cannot be determined by the current assay. However, the insertion is expected to result in an absent or disrupted protein product. Algorithms developed to predict the effect of sequence changes on RNA splicing suggest that this variant may create or strengthen a splice site. For these reasons, this variant has been classified as Pathogenic. Retrotransposon insertions including LINE1 (L1), Alu, and SVA (SINE-VNTR-Alu) have been reported to disrupt protein function (PMID: 19763152, 20307669, 22406018). However the effect of this particular variant is unknown. This variant disrupts a region of the ACAD9 protein in which other variant(s) (p.Pro616Ser) have been determined to be pathogenic (PMID: 25326637, 30831263; Invitae). This suggests that this is a clinically significant region of the protein, and that variants that disrupt it are likely to be disease-causing.

Literature cited by the submitters: PubMed 19763152; PubMed 20307669; PubMed 22406018; PubMed 25326637; PubMed 30831263.

NM_014049.5(ACAD9):c.1807_1808insGGCCGGGCGCGGTGGCTCACGCCTGTAATCCCAGCACTTTGGGAGGCCGAGGCGGGTGGATCATGAGGTCAGNNNNNNNNNNAAAAAAAAAAAAAAAAAAAAAAGAAAGTGTCCC (p.Gln603fs)

Genes: ACAD9 (acyl-CoA dehydrogenase family member 9; plus strand), CFAP92 (cilia and flagella associated protein 92 (putative); minus strand). Cytogenetic location: 3q21.3.
Variant type: Insertion.
Coding change: c.1807_1808insGGCCGGGCGCGGTGGCTCACGCCTGTAATCCCAGCACTTTGGGAGGCCGAGGCGGGTGGATCATGAGGTCAGNNNNNNNNNNAAAAAAAAAAAAAAAAAAAAAAGAAAGTGTCCC on transcript NM_014049.5 (MANE Select); coding-DNA positions 1807 to 1808, GGCCGGGCGCGGTGGCTCACGCCTGTAATCCCAGCACTTTGGGAGGCCGAGGCGGGTGGATCATGAGGTCAGNNNNNNNNNNAAAAAAAAAAAAAAAAAAAAAAGAAAGTGTCCC inserted.
Protein change: p.Gln603fs; shifts the reading frame from glutamine 603.
Molecular consequence: frameshift variant. On other transcripts: non-coding transcript variant (1), intron variant (3).
Genome position: GRCh38: chr3:128,912,548-128,912,549. GRCh37 (hg19): chr3:128,631,391-128,631,392.
Other names: c.1438_1439insGGCCGGGCGCGGTGGCTCACGCCTGTAATCCCAGCACTTTGGGAGGCCGAGGCGGGTGGATCATGAGGTCAGNNNNNNNNNNAAAAAAAAAAAAAAAAAAAAAAGAAAGTGTCCC, p.Gln480fs (NM_001410805.1); c.2312-2203_2312-2202insGGGACACTTTCTTTTTTTTTTTTTTTTTTTTTTNNNNNNNNNNCTGACCTCATGATCCACCCGCCTCGGCCTCCCAAAGTGCTGGGATTACAGGCGTGAGCCACCGCGCCCGGCC (NM_001348521.2); c.2408-2203_2408-2202insGGGACACTTTCTTTTTTTTTTTTTTTTTTTTTTNNNNNNNNNNCTGACCTCATGATCCACCCGCCTCGGCCTCCCAAAGTGCTGGGATTACAGGCGTGAGCCACCGCGCCCGGCC (NM_001348520.2); c.3281-2203_3281-2202insGGGACACTTTCTTTTTTTTTTTTTTTTTTTTTTNNNNNNNNNNCTGACCTCATGATCCACCCGCCTCGGCCTCCCAAAGTGCTGGGATTACAGGCGTGAGCCACCGCGCCCGGCC (NM_001394090.1); short protein forms Q603fs, Q480fs.
Identifiers: ClinVar variation 2059270 (VCV002059270.4), dbSNP rs2529107216.